The following is an entry in ClinVar:

ClinVar aggregate classification (germline): Uncertain significance. Review status: criteria provided, multiple submitters, no conflicts (2 of 4 stars). 2 submissions from 2 submitters: Uncertain significance (2). Last evaluated 2025-02-07.

Conditions:
UDPglucose-4-epimerase deficiency. Also called: GALACTOSEMIA III; GALE DEFICIENCY; UDP-GALACTOSE-4-EPIMERASE DEFICIENCY; Galactose epimerase deficiency; UDPglucose 4-Epimerase Deficiency Disease; Epimerase Deficiency Galactosemia. Identifiers: Orphanet 352, Orphanet 79238, MedGen C0751161, MONDO:0009257, OMIM 230350.

Allele frequency attached by ClinVar (database versions not stated): ESP Exome Variant Server 0.00008; gnomAD exomes 0.00001; gnomAD 0.00003; TOPMed 0.00003; ExAC 0.00003.

Submissions (2):

Dasa
Classification: Uncertain significance. Last evaluated: 2025-02-07. Review status: criteria provided, single submitter. Criteria: DASA Assertion Criteria. Collection method: clinical testing. Allele origin: germline.
Comment: NM_001008216.2(GALE):c.472G>A (p.Gly158Ser) is a missense variant that results in the substitution of glycine with serine. This variant is rare in population databases. Computational prediction algorithms are consistent with a deleterious effect. The currently available literature and clinical evidence are not sufficient to establish a definitive association between this variant and the reported condition. Therefore, this variant is classified as a variant of uncertain significance.

Labcorp Genetics (formerly Invitae), Labcorp
Classification: Uncertain significance for UDPglucose-4-epimerase deficiency. Last evaluated: 2024-08-20. Review status: criteria provided, single submitter. Criteria: Invitae Variant Classification Sherloc (09022015). Collection method: clinical testing. Allele origin: germline.
Comment: This sequence change replaces glycine, which is neutral and non-polar, with serine, which is neutral and polar, at codon 158 of the GALE protein (p.Gly158Ser). This variant is present in population databases (rs374106365, gnomAD 0.02%). This variant has not been reported in the literature in individuals affected with GALE-related conditions. Invitae Evidence Modeling of protein sequence and biophysical properties (such as structural, functional, and spatial information, amino acid conservation, physicochemical variation, residue mobility, and thermodynamic stability) indicates that this missense variant is not expected to disrupt GALE protein function with a negative predictive value of 80%. In summary, the available evidence is currently insufficient to determine the role of this variant in disease. Therefore, it has been classified as a Variant of Uncertain Significance.

NM_001008216.2(GALE):c.472G>A (p.Gly158Ser)

Gene: GALE (UDP-galactose-4-epimerase; minus strand). Cytogenetic location: 1p36.11.
Variant type: single nucleotide variant.
Coding change: c.472G>A on transcript NM_001008216.2 (MANE Select); coding-DNA position 472, G replaced by A.
Protein change: p.Gly158Ser; replaces glycine 158 with serine.
Molecular consequence: missense variant.
Genome position (GRCh38, 1-based): chr1:23,797,751, C>T on the plus strand (G>A on the coding strand, the complement: GALE is on the minus strand). VCF-style: chr1-23797751-C-T. GRCh37 (hg19) VCF-style: chr1-24124241-C-T.
Other names: c.472G>A, p.Gly158Ser (NM_000403.4, NM_001127621.2); short protein forms G158S.
Identifiers: ClinVar variation 2712679 (VCV002712679.5), dbSNP rs374106365, ClinGen allele CA685660.